The following is an entry in ClinVar:

ClinVar aggregate classification (germline): Benign/Likely benign. Review status: criteria provided, multiple submitters, no conflicts (2 of 4 stars). 10 submissions from 10 submitters: Benign (7); Likely benign (1). 2 of the submissions do not count toward it. Last evaluated 2026-02-04.

Conditions:
Inborn genetic diseases. Identifiers: MedGen C0950123, MeSH D030342.
Neuronal ceroid lipofuscinosis 7 (CLN7). Also called: MFSD8-Related Neuronal Ceroid-Lipofuscinosis. Identifiers: Orphanet 168491, Orphanet 228366, MedGen C1838571, MONDO:0012588, OMIM 610951.
Late-infantile neuronal ceroid lipofuscinosis. Also called: Jansky-Bielschowsky disease. Identifiers: MedGen C0022340, MONDO:0015674.

Allele frequency attached by ClinVar (database versions not stated): 1000 Genomes Project 0.00280; 1000 Genomes Project 30x 0.00297; gnomAD exomes 0.00990 and 0.01572; ExAC 0.01003; TOPMed 0.01036; gnomAD 0.01093 and 0.01140; ESP Exome Variant Server 0.01377.

Submissions (10):

Labcorp Genetics (formerly Invitae), Labcorp
Classification: Benign for Neuronal ceroid lipofuscinosis 7. Last evaluated: 2026-02-04. Review status: criteria provided, single submitter. Criteria: Invitae Variant Classification Sherloc (09022015). Collection method: clinical testing. Allele origin: germline.

Blueprint Genetics
Classification: Likely benign. Last evaluated: 2024-11-26. Review status: criteria provided, single submitter. Criteria: ACMG Guidelines, 2015. Collection method: clinical testing. Allele origin: germline.

Illumina Laboratory Services, Illumina
Classification: Benign for Neuronal ceroid lipofuscinosis 7. Last evaluated: 2018-01-13. Review status: criteria provided, single submitter. Criteria: ICSL Variant Classification Criteria 13 December 2019. Collection method: clinical testing. Allele origin: germline.
Comment: This variant was observed in the ICSL laboratory as part of a predisposition screen in an ostensibly healthy population. It had not been previously curated by ICSL or reported in the Human Gene Mutation Database (HGMD: prior to June 1st, 2018), and was therefore a candidate for classification through an automated scoring system. Utilizing variant allele frequency, disease prevalence and penetrance estimates, and inheritance mode, an automated score was calculated to assess if this variant is too frequent to cause the disease. Based on the score and internal cut-off values, a variant classified as benign is not then subjected to further curation. The score for this variant resulted in a classification of benign for this disease.

Ambry Genetics
Classification: Benign for Inborn genetic diseases. Last evaluated: 2016-04-15. Review status: criteria provided, single submitter. Criteria: Ambry Variant Classification Scheme 2023. Collection method: clinical testing. Allele origin: germline.

Genetic Services Laboratory, University of Chicago
Classification: Benign for AllHighlyPenetrant. Last evaluated: 2013-10-01. Review status: criteria provided, single submitter. Criteria: ACMG Guidelines, 2007. Collection method: clinical testing. Allele origin: germline. Inheritance: Autosomal recessive inheritance.

GeneDx
Classification: Benign. Last evaluated: 2012-10-26. Review status: criteria provided, single submitter. Criteria: GeneDx Variant Classification (06012015). Collection method: clinical testing. Allele origin: germline. Affected: yes.
Comment: This variant is considered likely benign or benign based on one or more of the following criteria: it is a conservative change, it occurs at a poorly conserved position in the protein, it is predicted to be benign by multiple in silico algorithms, and/or has population frequency not consistent with disease.

Breakthrough Genomics
Classification: Benign. Review status: criteria provided, single submitter. Criteria: ACMG Guidelines, 2015. Collection method: not provided. Allele origin: germline. Inheritance: Autosomal recessive inheritance. Affected: yes.

PreventionGenetics, part of Exact Sciences
Classification: Benign. Review status: criteria provided, single submitter. Criteria: ACMG Guidelines, 2015. Collection method: clinical testing. Allele origin: germline.

Natera, Inc.
Classification: Benign for Late-infantile neuronal ceroid lipofuscinosis. Last evaluated: 2020-09-16. Review status: no assertion criteria provided. Collection method: clinical testing. Allele origin: germline. Not counted in ClinVar's aggregate classification.

Mayo Clinic Laboratories, Mayo Clinic
Classification: Likely benign. Last evaluated: 2017-04-19. Review status: no assertion criteria provided. Collection method: clinical testing. Allele origin: unknown. Not counted in ClinVar's aggregate classification.

NM_001371596.2(MFSD8):c.573A>G (p.Thr191=)

Gene: MFSD8 (major facilitator superfamily domain containing 8; minus strand). Cytogenetic location: 4q28.2.
Variant type: single nucleotide variant.
Coding change: c.573A>G on transcript NM_001371596.2 (MANE Select); coding-DNA position 573, A replaced by G.
Protein change: p.Thr191=; no amino-acid change (threonine 191 retained).
Molecular consequence: synonymous variant. On other transcripts: intron variant (5).
Genome position (GRCh38, 1-based): chr4:127,939,978, T>C on the plus strand (A>G on the coding strand, the complement: MFSD8 is on the minus strand). VCF-style: chr4-127939978-T-C. GRCh37 (hg19) VCF-style: chr4-128861133-T-C.
Other names: p.T191T:ACA>ACG; c.438A>G, p.Thr146= (NM_001371590.2); c.573A>G, p.Thr191= (NM_001371591.2, NM_152778.4); c.579A>G, p.Thr193= (NM_001371592.2); c.459A>G, p.Thr153= (NM_001371593.2, NM_001410766.1); c.419-1142A>G (NM_001371595.1); c.304+3774A>G (NM_001410765.1); c.439+3774A>G (NM_001363521.3); and 2 more.
Identifiers: ClinVar variation 129610 (VCV000129610.29), dbSNP rs115275192, ClinGen allele CA288962.